The following is an entry in ClinVar:

ClinVar aggregate classification (germline): Benign/Likely benign. Review status: criteria provided, multiple submitters, no conflicts (2 of 4 stars). 15 submissions from 15 submitters: Benign (3); Likely benign (8). 4 of the submissions do not count toward it. Last evaluated 2026-03-30.

Conditions:
Polymerase proofreading-related adenomatous polyposis. Also called: Polymerase proofreading associated polyposis; Polymerase proofreading–associated polyposis (PPAP). Identifiers: Orphanet 447877, MedGen C5202613, MONDO:0018653.
Facial dysmorphism-immunodeficiency-livedo-short stature syndrome. Also called: FILS syndrome; Facial dysmorphism, immunodeficiency, livedo, and short stature. Identifiers: Orphanet 352712, MedGen C3554576, MONDO:0014058, OMIM 615139.
Colorectal cancer, susceptibility to, 12 (CRCS12). Also called: COLORECTAL CANCER, SUSCEPTIBILITY TO, ON CHROMOSOME 12q24. Identifiers: Orphanet 220460, MedGen C3554460, MONDO:0014038, OMIM 615083.
Intrauterine growth retardation, metaphyseal dysplasia, adrenal hypoplasia congenita, genital anomalies, and immunodeficiency. Also called: IMAGEI SYNDROME. Identifiers: MedGen C5193036, MONDO:0032684, OMIM 618336.
Hereditary cancer-predisposing syndrome. Also called: Hereditary Cancer Syndrome; Tumor predisposition; Neoplastic Syndromes, Hereditary; Hereditary neoplastic syndrome. Identifiers: Orphanet 140162, MedGen C0027672, MeSH D009386, MONDO:0015356.

Allele frequency attached by ClinVar (database versions not stated): gnomAD exomes 0.00014 and 0.00046; ExAC 0.00072; gnomAD 0.00173 and 0.00179; TOPMed 0.00190; ESP Exome Variant Server 0.00192; 1000 Genomes Project 30x 0.00250; 1000 Genomes Project 0.00260.
gnomAD v4.1: 464 of 1,612,246 alleles (0.029%); highest among the groups gnomAD compares: African/African-American, 0.57%; 2 homozygotes.

Submissions (15):

Dasa
Classification: Likely benign. Last evaluated: 2026-03-30. Review status: criteria provided, single submitter. Criteria: DASA Assertion Criteria. Collection method: clinical testing. Allele origin: germline.
Comment: NM_006231.4(POLE):c.2561+6T>C is a splice-region variant predicted to affect normal RNA splicing. Multiple computational predictions suggest no deleterious effect on the gene or gene product. The variant is present at low frequency in population datasets. Based on the available data, this variant is classified as likely benign.

Labcorp Genetics (formerly Invitae), Labcorp
Classification: Benign. Last evaluated: 2026-02-04. Review status: criteria provided, single submitter. Criteria: Invitae Variant Classification Sherloc (09022015). Collection method: clinical testing. Allele origin: germline.

Center for Genomic Medicine, Rigshospitalet, Copenhagen University Hospital
Classification: Likely benign. Last evaluated: 2025-03-04. Review status: criteria provided, single submitter. Criteria: ACMG Guidelines, 2015. Collection method: clinical testing. Allele origin: germline.

Blueprint Genetics
Classification: Likely benign. Last evaluated: 2024-11-07. Review status: criteria provided, single submitter. Criteria: ACMG Guidelines, 2015. Collection method: clinical testing. Allele origin: germline.

Fulgent Genetics
Classification: Likely benign for Colorectal cancer, susceptibility to, 12; Facial dysmorphism-immunodeficiency-livedo-short stature syndrome; Intrauterine growth retardation, metaphyseal dysplasia, adrenal hypoplasia congenita, genital anomalies, and immunodeficiency. Last evaluated: 2022-03-16. Review status: criteria provided, single submitter. Criteria: ACMG Guidelines, 2015. Collection method: clinical testing. Allele origin: unknown.

Sema4
Classification: Likely benign for Hereditary cancer-predisposing syndrome. Last evaluated: 2021-06-25. Review status: criteria provided, single submitter. Criteria: Sema4 Curation Guidelines. Collection method: curation. Allele origin: germline.

Quest Diagnostics Nichols Institute San Juan Capistrano
Classification: Benign. Last evaluated: 2018-05-22. Review status: criteria provided, single submitter. Criteria: Quest Diagnostics criteria. Collection method: clinical testing. Allele origin: unknown.

Women's Health and Genetics/Laboratory Corporation of America, LabCorp
Classification: Benign. Last evaluated: 2018-04-06. Review status: criteria provided, single submitter. Criteria: LabCorp Variant Classification Summary - May 2015. Collection method: clinical testing. Allele origin: germline.
Comment: Variant summary: POLE c.2561+6T>C alters a non-conserved nucleotide located close to a canonical splice site and therefore could affect mRNA splicing, leading to a significantly altered protein sequence. Five computational tools predict no significant impact on normal splicing. However, these predictions have yet to be confirmed by functional studies. The variant was observed with an allele frequency of 0.0005816 in 276802 control chromosomes, predominantly in the African cohort, 153/24000 chromosomes. The observed variant frequency within African control individuals in the gnomAD database is approximately 450-folds higher than the estimated maximal expected allele frequency for a pathogenic variant in POLE causing Colorectal Cancer phenotype (1.4e-05), strongly suggesting that the variant is a benign polymorphism found primarily in populations of African origin. To our knowledge, no occurrence of c.2561+6T>C in individuals affected with Colorectal Cancer and no experimental evidence demonstrating its impact on protein function have been reported. Multiple ClinVar submissions from clinical diagnostic laboratories (evaluation after 2014) cite the variant as "likely benign/benign." Based on the evidence outlined above, the variant was classified as benign.

GeneDx
Classification: Likely benign. Last evaluated: 2017-09-25. Review status: criteria provided, single submitter. Criteria: GeneDx Variant Classification (06012015). Collection method: clinical testing. Allele origin: germline. Affected: yes.
Comment: This variant is considered likely benign or benign based on one or more of the following criteria: it is a conservative change, it occurs at a poorly conserved position in the protein, it is predicted to be benign by multiple in silico algorithms, and/or has population frequency not consistent with disease.

Ambry Genetics
Classification: Likely benign for Hereditary cancer-predisposing syndrome. Last evaluated: 2015-09-10. Review status: criteria provided, single submitter. Criteria: Ambry Variant Classification Scheme 2023. Collection method: clinical testing. Allele origin: germline.

Breakthrough Genomics
Classification: Likely benign. Review status: criteria provided, single submitter. Criteria: ACMG Guidelines, 2015. Collection method: not provided. Allele origin: germline. Inheritance: Autosomal recessive inheritance. Affected: yes.

Counsyl
Classification: Likely benign for Colorectal cancer, susceptibility to, 12. Last evaluated: 2018-02-16. Review status: no assertion criteria provided. Collection method: clinical testing. Allele origin: unknown. Not counted in ClinVar's aggregate classification.

Clinical Genetics, Academic Medical Center
Classification: Benign. Review status: no assertion criteria provided. Collection method: clinical testing. Allele origin: germline. Affected: yes. Study: VKGL Data-share Consensus. Not counted in ClinVar's aggregate classification.

Department of Pathology and Laboratory Medicine, Sinai Health System
Classification: Uncertain significance for Polymerase proofreading-related adenomatous polyposis. Review status: no assertion criteria provided. Collection method: clinical testing. Allele origin: unknown. Affected: yes. Study: The Canadian Open Genetics Repository (COGR). Not counted in ClinVar's aggregate classification.
Comment: The POLE c.2561+6T>C variant was not identified in the literature. The variant was identified in dbSNP (ID: rs116231808) as "With Likely benign allele" and ClinVar (1x as benign by Invitae and 2x as likely benign by GeneDx and Quest Diagnostics Nichols Institute San Juan Capistrano). The variant was identified in control databases in 161 of 276802 chromosomes at a frequency of 0.0006 increasing the likelihood this variant may be a low frequency benign variant in certain populations of origin (Genome Aggregation Database Feb 27, 2017). The variant was observed in the following populations: African in 153 of 24000 chromosomes (freq: 0.006), Other in 1 of 6450 chromosomes (freq: 0.0002), and Latino in 7 of 34418 chromosomes (freq: 0.0002); it was not observed in the European, Ashkenazi Jewish, East Asian, Finnish, or South Asian populations. The c.2561+6T>C variant is located in the 5' splice region but does not affect the invariant +1 and +2 positions. However, positions +3 to +6 are part of the splicing consensus sequence and variants involving these positions sometimes affect splicing. In addition, 3 of 5 in silico or computational prediction software programs (SpliceSiteFinder, MaxEntScan, NNSPLICE, GeneSplicer, HumanSpliceFinder) predict a greater than 10% difference in splicing. In summary, based on the above information the clinical significance of this variant cannot be determined with certainty at this time. This variant is classified as a variant of uncertain significance.

Genome Diagnostics Laboratory, University Medical Center Utrecht
Classification: Likely benign. Review status: no assertion criteria provided. Collection method: clinical testing. Allele origin: germline. Affected: yes. Study: VKGL Data-share Consensus. Not counted in ClinVar's aggregate classification.

NM_006231.4(POLE):c.2561+6T>C

Gene: POLE (DNA polymerase epsilon, catalytic subunit; minus strand). Cytogenetic location: 12q24.33.
Variant type: single nucleotide variant.
Coding change: c.2561+6T>C on transcript NM_006231.4 (MANE Select); 6 bases into the intron after coding-DNA position 2561, T replaced by C.
Molecular consequence: intron variant.
Genome position (GRCh38, 1-based): chr12:132,664,364, A>G on the plus strand (T>C on the coding strand, the complement: POLE is on the minus strand). VCF-style: chr12-132664364-A-G. GRCh37 (hg19) VCF-style: chr12-133240950-A-G.
Identifiers: ClinVar variation 220683 (VCV000220683.31), dbSNP rs116231808, ClinGen allele CA349244.